The following is an entry in ClinVar:

NM_024079.5(ALG8):c.1123A>G (p.Met375Val)

Gene: ALG8 (ALG8 alpha-1,3-glucosyltransferase; minus strand). Cytogenetic location: 11q14.1.
Variant type: single nucleotide variant.
Coding change: c.1123A>G on transcript NM_024079.5 (MANE Select); coding-DNA position 1123, A replaced by G.
Protein change: p.Met375Val; replaces methionine 375 with valine.
Molecular consequence: missense variant.
Genome position (GRCh38, 1-based): chr11:78,106,862, T>C on the plus strand (A>G on the coding strand, the complement: ALG8 is on the minus strand). VCF-style: chr11-78106862-T-C. GRCh37 (hg19) VCF-style: chr11-77817908-T-C.
Other names: p.Met375Val; c.1123A>G, p.Met375Val (NM_001007027.3); c.1123A>G (NM_024079.4); short protein forms M375V.
Identifiers: ClinVar variation 1981755 (VCV001981755.7), dbSNP rs1379263151, ClinGen allele CA382112800.

ClinVar aggregate classification (germline): Uncertain significance. Review status: criteria provided, multiple submitters, no conflicts (2 of 4 stars). 4 submissions from 4 submitters: Uncertain significance (4). Last evaluated 2025-09-19.

Conditions:
Inborn genetic diseases. Identifiers: MedGen C0950123, MeSH D030342.
ALG8 congenital disorder of glycosylation. Also called: CONGENITAL DISORDER OF GLYCOSYLATION, TYPE Ih; CDG Ih; ALG8-CDG. Identifiers: Orphanet 79325, MedGen C2931002, MONDO:0011969, OMIM 608104.
Polycystic liver disease 3 with or without kidney cysts. Identifiers: MedGen C4693472, MONDO:0054743, OMIM 617874.

gnomAD v4.1: 10 of 1,613,938 alleles (0.00062%); highest among the groups gnomAD compares: Non-Finnish European, 0.00085%; no homozygotes.

Submissions (4):

Mayo Clinic Laboratories, Mayo Clinic
Classification: Uncertain significance. Last evaluated: 2025-09-19. Review status: criteria provided, single submitter. Criteria: ACMG Guidelines, 2015. Collection method: clinical testing. Allele origin: germline. Observed: 1 variant allele.

Ambry Genetics
Classification: Uncertain significance for Inborn genetic diseases. Last evaluated: 2025-08-29. Review status: criteria provided, single submitter. Criteria: Ambry Variant Classification Scheme 2023. Collection method: clinical testing. Allele origin: germline.

Fulgent Genetics
Classification: Uncertain significance for ALG8 congenital disorder of glycosylation; Polycystic liver disease 3 with or without kidney cysts. Last evaluated: 2024-05-25. Review status: criteria provided, single submitter. Criteria: ACMG Guidelines, 2015. Collection method: clinical testing. Allele origin: germline.

Labcorp Genetics (formerly Invitae), Labcorp
Classification: Uncertain significance for ALG8 congenital disorder of glycosylation. Last evaluated: 2022-07-16. Review status: criteria provided, single submitter. Criteria: Invitae Variant Classification Sherloc (09022015). Collection method: clinical testing. Allele origin: germline.
Comment: In summary, the available evidence is currently insufficient to determine the role of this variant in disease. Therefore, it has been classified as a Variant of Uncertain Significance. Algorithms developed to predict the effect of missense changes on protein structure and function (SIFT, PolyPhen-2, Align-GVGD) all suggest that this variant is likely to be tolerated. This variant has not been reported in the literature in individuals affected with ALG8-related conditions. The frequency data for this variant in the population databases is considered unreliable, as metrics indicate poor data quality at this position in the gnomAD database. This sequence change replaces methionine, which is neutral and non-polar, with valine, which is neutral and non-polar, at codon 375 of the ALG8 protein (p.Met375Val).